The following is an entry in ClinVar:

ClinVar aggregate classification (germline): Uncertain significance (1 of 4 stars; one submission).

Submission:

GeneDx
Classification: Uncertain significance. Last evaluated: 2025-06-21. Review status: criteria provided, single submitter. Criteria: GeneDx Variant Classification Process June 2021. Collection method: clinical testing. Allele origin: germline. Affected: yes.
Comment: Not observed at significant frequency in large population cohorts (gnomAD); In silico analysis suggests that this missense variant does not alter protein structure/function; Has not been previously published as pathogenic or benign to our knowledge

NM_021072.4(HCN1):c.2549T>A (p.Ile850Asn)

Gene: HCN1 (hyperpolarization activated cyclic nucleotide gated potassium channel 1; minus strand). Cytogenetic location: 5p12.
Variant type: single nucleotide variant.
Coding change: c.2549T>A on transcript NM_021072.4 (MANE Select); coding-DNA position 2549, T replaced by A.
Protein change: p.Ile850Asn; replaces isoleucine 850 with asparagine.
Molecular consequence: missense variant.
Genome position (GRCh38, 1-based): chr5:45,262,045, A>T on the plus strand (T>A on the coding strand, the complement: HCN1 is on the minus strand). VCF-style: chr5-45262045-A-T. GRCh37 (hg19) VCF-style: chr5-45262147-A-T.
Other names: short protein forms I850N.
Identifiers: ClinVar variation 4540216 (VCV004540216.1).